The following is an entry in ClinVar:

NM_024675.4(PALB2):c.3128del (p.Gly1043fs)

Gene: PALB2 (partner and localizer of BRCA2; minus strand). Cytogenetic location: 16p12.2.
Variant type: Deletion.
Coding change: c.3128del on transcript NM_024675.4 (MANE Select); coding-DNA position 3128, one base deleted (G; older notation c.3128delG).
Protein change: p.Gly1043fs; shifts the reading frame from glycine 1043.
Molecular consequence: frameshift variant. On other transcripts: intron variant (3).
Genome position (GRCh38, 1-based): chr16:23,614,077, C deleted on the plus strand (G on the coding strand, the reverse complement: PALB2 is on the minus strand); the first of 2 consecutive C bases (chr16:23,614,077-23,614,078); deleting either gives the same sequence. VCF-style (leftmost placement, unchanged base first): chr16-23614076-AC-A. GRCh37 (hg19) VCF-style: chr16-23625397-AC-A.
Other names: c.3068del, p.Gly1023fs (NM_001407296.1); c.3056del, p.Gly1019fs (NM_001407297.1); c.2966del, p.Gly989fs (NM_001407298.1, NM_001407302.1); c.2849del, p.Gly950fs (NM_001407300.1); c.3128del, p.Gly1043fs (NM_001407301.1); c.2243del, p.Gly748fs (NM_001407304.1, NM_001407305.1, NM_001407306.1 and 2 more transcripts); c.2081del, p.Gly694fs (NM_001407307.1); c.1340del, p.Gly447fs (NM_001407312.1, NM_001407313.1); and 4 more; short protein forms G1023fs, G221fs, G950fs, G1043fs, G748fs, G1019fs, G447fs, G989fs.
Identifiers: ClinVar variation 4825310 (VCV004825310.1).

ClinVar aggregate classification (germline): Pathogenic (1 of 4 stars; one submission).

Conditions:
Hereditary cancer-predisposing syndrome. Also called: Neoplastic Syndromes, Hereditary; Tumor predisposition; Hereditary Cancer Syndrome; Hereditary neoplastic syndrome. Identifiers: Orphanet 140162, MedGen C0027672, MeSH D009386, MONDO:0015356.

Submission:

Ambry Genetics
Classification: Pathogenic for Hereditary cancer-predisposing syndrome. Last evaluated: 2026-02-13. Review status: criteria provided, single submitter. Criteria: Ambry Variant Classification Scheme 2023. Collection method: clinical testing. Allele origin: germline.
Comment: The c.3128delG pathogenic mutation, located in coding exon 11 of the PALB2 gene, results from a deletion of one nucleotide at nucleotide position 3128, causing a translational frameshift with a predicted alternate stop codon (p.G1043Vfs*4). This variant is considered to be rare based on population cohorts in the Genome Aggregation Database (gnomAD). This alteration is expected to result in loss of function by premature protein truncation or nonsense-mediated mRNA decay. As such, this alteration is interpreted as a disease-causing mutation.